The following is an entry in ClinVar:

NM_001123385.2(BCOR):c.4853C>T (p.Ala1618Val)

Gene: BCOR (BCL6 corepressor; minus strand). Cytogenetic location: Xp11.4.
Variant type: single nucleotide variant.
Coding change: c.4853C>T on transcript NM_001123385.2 (MANE Select); coding-DNA position 4853, C replaced by T.
Protein change: p.Ala1618Val; replaces alanine 1618 with valine.
Molecular consequence: missense variant.
Genome position (GRCh38, 1-based): chrX:40,054,009, G>A on the plus strand (C>T on the coding strand, the complement: BCOR is on the minus strand). VCF-style: chrX-40054009-G-A. GRCh37 (hg19) VCF-style: chrX-39913262-G-A.
Other names: c.4751C>T, p.Ala1584Val (NM_001123383.2, NM_001438208.1, NM_017745.6); c.4697C>T, p.Ala1566Val (NM_001123384.2); c.4853C>T, p.Ala1618Val (NM_001437510.1, NM_001437511.1); c.4799C>T, p.Ala1600Val (NM_001438207.1); short protein forms A1584V, A1600V, A1618V, A1566V.
Identifiers: ClinVar variation 4752942 (VCV004752942.1).

ClinVar aggregate classification (germline): Uncertain significance (1 of 4 stars; one submission).

Conditions:
Oculofaciocardiodental syndrome (MCOPS2). Identifiers: Orphanet 2712, MedGen C1846265, MONDO:0010261, OMIM 300166.

gnomAD v4.1: 1 of 1,209,729 alleles (0.000083%); highest among the groups gnomAD compares: African/African-American, 0.0017%; no homozygotes.

Submission:

Labcorp Genetics (formerly Invitae), Labcorp
Classification: Uncertain significance for Oculofaciocardiodental syndrome. Last evaluated: 2025-03-27. Review status: criteria provided, single submitter. Criteria: Invitae Variant Classification Sherloc (09022015). Collection method: clinical testing. Allele origin: germline.
Comment: This sequence change replaces alanine, which is neutral and non-polar, with valine, which is neutral and non-polar, at codon 1584 of the BCOR protein (p.Ala1584Val). This variant is not present in population databases (gnomAD no frequency). This variant has not been reported in the literature in individuals affected with BCOR-related conditions. Invitae Evidence Modeling of protein sequence and biophysical properties (such as structural, functional, and spatial information, amino acid conservation, physicochemical variation, residue mobility, and thermodynamic stability) indicates that this missense variant is not expected to disrupt BCOR protein function with a negative predictive value of 80%. In summary, the available evidence is currently insufficient to determine the role of this variant in disease. Therefore, it has been classified as a Variant of Uncertain Significance.